The following is an entry in ClinVar:

ClinVar aggregate classification (germline): Uncertain significance (1 of 4 stars; one submission).

Submission:

Labcorp Genetics (formerly Invitae), Labcorp
Classification: Uncertain significance. Last evaluated: 2025-07-14. Review status: criteria provided, single submitter. Criteria: Invitae Variant Classification Sherloc (09022015). Collection method: clinical testing. Allele origin: germline.
Comment: This sequence change replaces aspartic acid, which is acidic and polar, with glycine, which is neutral and non-polar, at codon 576 of the MAP3K7 protein (p.Asp576Gly). This variant is not present in population databases (gnomAD no frequency). This variant has not been reported in the literature in individuals affected with MAP3K7-related conditions. An algorithm developed to predict the effect of missense changes on protein structure and function (PolyPhen-2) suggests that this variant is likely to be tolerated. Algorithms developed to predict the effect of sequence changes on RNA splicing suggest that this variant may create or strengthen a splice site. In summary, the available evidence is currently insufficient to determine the role of this variant in disease. Therefore, it has been classified as a Variant of Uncertain Significance.

NM_145331.3(MAP3K7):c.1727A>G (p.Asp576Gly)

Gene: MAP3K7 (mitogen-activated protein kinase kinase kinase 7; minus strand). Cytogenetic location: 6q15.
Variant type: single nucleotide variant.
Coding change: c.1727A>G on transcript NM_145331.3 (MANE Select); coding-DNA position 1727, A replaced by G.
Protein change: p.Asp576Gly; replaces aspartic acid 576 with glycine.
Molecular consequence: missense variant. On other transcripts: 3 prime UTR variant (2).
Genome position (GRCh38, 1-based): chr6:90,516,595, T>C on the plus strand (A>G on the coding strand, the complement: MAP3K7 is on the minus strand). VCF-style: chr6-90516595-T-C. GRCh37 (hg19) VCF-style: chr6-91226314-T-C.
Other names: c.1646A>G, p.Asp549Gly (NM_003188.4); c.*54A>G (NM_145332.3, NM_145333.3); short protein forms D549G, D576G.
Identifiers: ClinVar variation 4723225 (VCV004723225.1).